The following is an entry in ClinVar:

ClinVar aggregate classification (germline): Uncertain significance (1 of 4 stars; one submission).

gnomAD v4.1: 3 of 1,606,710 alleles (0.00019%); highest among the groups gnomAD compares: Non-Finnish European, 0.00017%; no homozygotes.

Submission:

Labcorp Genetics (formerly Invitae), Labcorp
Classification: Uncertain significance. Last evaluated: 2024-10-24. Review status: criteria provided, single submitter. Criteria: Invitae Variant Classification Sherloc (09022015). Collection method: clinical testing. Allele origin: germline.
Comment: This sequence change creates a premature translational stop signal (p.Arg797*) in the VPS11 gene. It is expected to result in an absent or disrupted protein product. However, the current clinical and genetic evidence is not sufficient to establish whether loss-of-function variants in VPS11 cause disease. The frequency data for this variant in the population databases is considered unreliable, as metrics indicate poor data quality at this position in the gnomAD database. This variant has not been reported in the literature in individuals affected with VPS11-related conditions. In summary, the available evidence is currently insufficient to determine the role of this variant in disease. Therefore, it has been classified as a Variant of Uncertain Significance.

NM_021729.6(VPS11):c.2389C>T (p.Arg797Ter)

Gene: VPS11 (VPS11 core subunit of CORVET and HOPS complexes; plus strand). Cytogenetic location: 11q23.3.
Variant type: single nucleotide variant.
Coding change: c.2389C>T on transcript NM_021729.6 (MANE Select); coding-DNA position 2389, C replaced by T.
Protein change: p.Arg797Ter; replaces arginine 797 with a stop codon.
Molecular consequence: nonsense. On other transcripts: non-coding transcript variant (8).
Genome position (GRCh38, 1-based): chr11:119,079,251, C>T. VCF-style: chr11-119079251-C-T. GRCh37 (hg19) VCF-style: chr11-118949961-C-T.
Other names: c.2359C>T, p.Arg787Ter (NM_001290185.2); c.2401C>T, p.Arg801Ter (NM_001378218.1, NM_001378219.1); c.2374C>T, p.Arg792Ter (NM_001378220.1); c.2371C>T, p.Arg791Ter (NM_001378221.1); short protein forms R787*, R791*, R792*, R801*, R797*.
Identifiers: ClinVar variation 3688420 (VCV003688420.2).